The following is an entry in ClinVar:

NM_005245.4(FAT1):c.8903C>G (p.Ala2968Gly)

Genes: FAT1 (FAT atypical cadherin 1; minus strand), LOC126807255 (BRD4-independent group 4 enhancer GRCh37_chr4:187538202-187539401; plus strand). Cytogenetic location: 4q35.2.
Variant type: single nucleotide variant.
Coding change: c.8903C>G on transcript NM_005245.4 (MANE Select); coding-DNA position 8903, C replaced by G.
Protein change: p.Ala2968Gly; replaces alanine 2968 with glycine.
Molecular consequence: missense variant.
Genome position (GRCh38, 1-based): chr4:186,617,177, G>C on the plus strand (C>G on the coding strand, the complement: FAT1 is on the minus strand). VCF-style: chr4-186617177-G-C. GRCh37 (hg19) VCF-style: chr4-187538331-G-C.
Other names: short protein forms A2968G.
Identifiers: ClinVar variation 2176780 (VCV002176780.4), dbSNP rs1739754368, ClinGen allele CA358959749.

ClinVar aggregate classification (germline): Uncertain significance (1 of 4 stars; one submission).

Allele frequency attached by ClinVar (database versions not stated): gnomAD exomes below 0.00001; gnomAD 0.00002.
gnomAD v4.1: 4 of 1,607,598 alleles (0.00025%); highest among the groups gnomAD compares: Admixed American, 0.0068%; no homozygotes.

Submission:

Labcorp Genetics (formerly Invitae), Labcorp
Classification: Uncertain significance. Last evaluated: 2021-12-23. Review status: criteria provided, single submitter. Criteria: Invitae Variant Classification Sherloc (09022015). Collection method: clinical testing. Allele origin: germline.
Comment: This sequence change replaces alanine, which is neutral and non-polar, with glycine, which is neutral and non-polar, at codon 2968 of the FAT1 protein (p.Ala2968Gly). This variant is not present in population databases (gnomAD no frequency). This variant has not been reported in the literature in individuals affected with FAT1-related conditions. Algorithms developed to predict the effect of missense changes on protein structure and function are either unavailable or do not agree on the potential impact of this missense change (SIFT: "Deleterious"; PolyPhen-2: "Benign"; Align-GVGD: "Class C55"). In summary, the available evidence is currently insufficient to determine the role of this variant in disease. Therefore, it has been classified as a Variant of Uncertain Significance.